The following is an entry in ClinVar:

ClinVar aggregate classification (germline): Uncertain significance (1 of 4 stars; one submission).

Conditions:
Aromatase deficiency. Also called: Increased aromatase activity; PSEUDOHERMAPHRODITISM, FEMALE, DUE TO PLACENTAL AROMATASE DEFICIENCY. Identifiers: Orphanet 91, MedGen C1960539, MONDO:0013301, OMIM 613546.

Allele frequency attached by ClinVar (database versions not stated): gnomAD exomes 0.00001.
gnomAD v4.1: 3 of 1,613,896 alleles (0.00019%); highest among the groups gnomAD compares: East Asian, 0.0022%; no homozygotes.

Submission:

Laboratorio de Genetica e Diagnostico Molecular, Hospital Israelita Albert Einstein
Classification: Uncertain significance for Aromatase deficiency. Last evaluated: 2022-07-29. Review status: criteria provided, single submitter. Criteria: ACMG Guidelines, 2015. Collection method: clinical testing. Allele origin: germline. Affected: yes. Observed: 1 variant allele.
Comment: ACMG classification criteria: PM2 moderated, PP3 supporting

NM_000103.4(CYP19A1):c.859-9A>G

Genes: MIR4713HG (MIR4713 host gene; plus strand), CYP19A1 (cytochrome P450 family 19 subfamily A member 1; minus strand), PIRC66 (piwi-interacting RNA cluster 66; plus strand). Cytogenetic location: 15q21.2.
Variant type: single nucleotide variant.
Coding change: c.859-9A>G on transcript NM_000103.4 (MANE Select); 9 bases into the intron before coding-DNA position 859, A replaced by G.
Molecular consequence: intron variant.
Genome position (GRCh38, 1-based): chr15:51,215,241, T>C on the plus strand (A>G on the coding strand, the complement: CYP19A1 is on the minus strand). VCF-style: chr15-51215241-T-C. GRCh37 (hg19) VCF-style: chr15-51507438-T-C.
Other names: c.859-9A>G (NM_031226.3, NM_001347248.1, NM_001347249.2 and 7 more transcripts).
Identifiers: ClinVar variation 2431582 (VCV002431582.1), dbSNP rs1303356383, ClinGen allele CA617899144.